The following is an entry in ClinVar:

ClinVar aggregate classification (germline): Uncertain significance (1 of 4 stars; one submission).

Conditions:
Charcot-Marie-Tooth disease dominant intermediate B (CMTDIB). Also called: CHARCOT-MARIE-TOOTH NEUROPATHY, DOMINANT INTERMEDIATE B; Charcot-Marie-Tooth disease dominant intermediate 1; CMT DI1; Charcot-Marie-Tooth disease dominant intermediate I. Identifiers: Orphanet 100044, Orphanet 228179, MedGen C1847902, MONDO:0011674, OMIM 606482.

Allele frequency attached by ClinVar (database versions not stated): TOPMed below 0.00001.

Submission:

Labcorp Genetics (formerly Invitae), Labcorp
Classification: Uncertain significance for Charcot-Marie-Tooth disease dominant intermediate B. Last evaluated: 2022-12-11. Review status: criteria provided, single submitter. Criteria: Invitae Variant Classification Sherloc (09022015). Collection method: clinical testing. Allele origin: germline.
Comment: In summary, the available evidence is currently insufficient to determine the role of this variant in disease. Therefore, it has been classified as a Variant of Uncertain Significance. Algorithms developed to predict the effect of missense changes on protein structure and function (SIFT, PolyPhen-2, Align-GVGD) all suggest that this variant is likely to be disruptive. This variant has not been reported in the literature in individuals affected with DNM2-related conditions. This variant is not present in population databases (gnomAD no frequency). This sequence change replaces proline, which is neutral and non-polar, with serine, which is neutral and polar, at codon 263 of the DNM2 protein (p.Pro263Ser).

NM_001005361.3(DNM2):c.787C>T (p.Pro263Ser)

Gene: DNM2 (dynamin 2; plus strand). Cytogenetic location: 19p13.2.
Variant type: single nucleotide variant.
Coding change: c.787C>T on transcript NM_001005361.3 (MANE Select); coding-DNA position 787, C replaced by T.
Protein change: p.Pro263Ser; replaces proline 263 with serine.
Molecular consequence: missense variant.
Genome position (GRCh38, 1-based): chr19:10,783,058, C>T. VCF-style: chr19-10783058-C-T. GRCh37 (hg19) VCF-style: chr19-10893734-C-T.
Other names: c.787C>T, p.Pro263Ser (NM_001005360.3, NM_001005362.3, NM_001190716.2 and 1 more transcripts); short protein forms P263S.
Identifiers: ClinVar variation 2775471 (VCV002775471.3), dbSNP rs969265897, ClinGen allele CA305274050.
Genomic context (GRCh38, chr19:10,783,058, plus strand): 5'-GAGGGCAAGAAGGACATCCGTGCAGCACTGGCAGCTGAGAGGAAGTTCTTCCTCTCCCAC[C>T]CGGCCTACCGGCACATGGCCGACCGCATGGGCACGCCACATCTGCAGAAGACGCTGAATC-3'
Protein context (NP_001005361.1, residues 253-273): AAERKFFLSH[Pro263Ser]AYRHMADRMG